The following is an entry in ClinVar:

ClinVar aggregate classification (germline): Likely benign. Review status: criteria provided, multiple submitters, no conflicts (2 of 4 stars). 2 submissions from 2 submitters: Likely benign (2). Last evaluated 2023-11-24.

Conditions:
Autosomal recessive limb-girdle muscular dystrophy type 2E (LGMDR4). Also called: MUSCULAR DYSTROPHY, LIMB-GIRDLE, AUTOSOMAL RECESSIVE 4. Identifiers: Orphanet 119, MedGen C1858593, MONDO:0011423, OMIM 604286. Disease mechanism: Affects gamma-sarcoglycan and also disrupts the integrity of the entire sarcoglycan complex..

Allele frequency attached by ClinVar (database versions not stated): gnomAD exomes 0.00001.
gnomAD v4.1: 4 of 1,614,136 alleles (0.00025%); highest among the groups gnomAD compares: Admixed American, 0.0067%; no homozygotes.

Submissions (2):

Labcorp Genetics (formerly Invitae), Labcorp
Classification: Likely benign for Autosomal recessive limb-girdle muscular dystrophy type 2E. Last evaluated: 2023-11-24. Review status: criteria provided, single submitter. Criteria: Invitae Variant Classification Sherloc (09022015). Collection method: clinical testing. Allele origin: germline.

GeneDx
Classification: Likely benign. Last evaluated: 2017-12-27. Review status: criteria provided, single submitter. Criteria: GeneDx Variant Classification (06012015). Collection method: clinical testing. Allele origin: germline. Affected: yes.
Comment: This variant is considered likely benign or benign based on one or more of the following criteria: it is a conservative change, it occurs at a poorly conserved position in the protein, it is predicted to be benign by multiple in silico algorithms, and/or has population frequency not consistent with disease.

NM_000232.5(SGCB):c.879G>A (p.Gly293=)

Gene: SGCB (sarcoglycan beta; minus strand). Cytogenetic location: 4q12.
Variant type: single nucleotide variant.
Coding change: c.879G>A on transcript NM_000232.5 (MANE Select); coding-DNA position 879, G replaced by A.
Protein change: p.Gly293=; no amino-acid change (glycine 293 retained).
Molecular consequence: synonymous variant.
Genome position (GRCh38, 1-based): chr4:52,024,035, C>T on the plus strand (G>A on the coding strand, the complement: SGCB is on the minus strand). VCF-style: chr4-52024035-C-T. GRCh37 (hg19) VCF-style: chr4-52890201-C-T.
Identifiers: ClinVar variation 514162 (VCV000514162.10), dbSNP rs1204832968, ClinGen allele CA439273316.